The following is an entry in ClinVar:

ClinVar aggregate classification (germline): Uncertain significance (1 of 4 stars; one submission).

Conditions:
Hereditary cancer-predisposing syndrome. Also called: Tumor predisposition; Hereditary Cancer Syndrome; Hereditary neoplastic syndrome; Neoplastic Syndromes, Hereditary. Identifiers: Orphanet 140162, MedGen C0027672, MeSH D009386, MONDO:0015356.

Submission:

Ambry Genetics
Classification: Uncertain significance for Hereditary cancer-predisposing syndrome. Last evaluated: 2023-09-27. Review status: criteria provided, single submitter. Criteria: Ambry Variant Classification Scheme 2023. Collection method: clinical testing. Allele origin: germline.
Comment: The p.K2213Q variant (also known as c.6637A>C), located in coding exon 45 of the ATM gene, results from an A to C substitution at nucleotide position 6637. The lysine at codon 2213 is replaced by glutamine, an amino acid with similar properties. This amino acid position is conserved. In addition, this alteration is predicted to be tolerated by in silico analysis. Since supporting evidence is limited at this time, the clinical significance of this alteration remains unclear.

NM_000051.4(ATM):c.6637A>C (p.Lys2213Gln)

Genes: ATM (ATM serine/threonine kinase; plus strand), C11orf65 (chromosome 11 open reading frame 65; minus strand). Cytogenetic location: 11q22.3.
Variant type: single nucleotide variant.
Coding change: c.6637A>C on transcript NM_000051.4 (MANE Select); coding-DNA position 6637, A replaced by C.
Protein change: p.Lys2213Gln; replaces lysine 2213 with glutamine.
Molecular consequence: missense variant. On other transcripts: intron variant (2).
Genome position (GRCh38, 1-based): chr11:108,325,374, A>C. VCF-style: chr11-108325374-A-C. GRCh37 (hg19) VCF-style: chr11-108196101-A-C.
Other names: c.6637A>C, p.Lys2213Gln (NM_001351834.2); c.641-16303T>G (NM_001330368.2); c.*38+9846T>G (NM_001351110.2); short protein forms K2213Q.
Identifiers: ClinVar variation 3222427 (VCV003222427.1), dbSNP rs2136309883, ClinGen allele CA382554787.